The following is an entry in ClinVar:

ClinVar aggregate classification (germline): Uncertain significance (1 of 4 stars; one submission).

Conditions:
3M syndrome 2. Also called: 3-M Syndrome, OBSL1-Related; THREE M SYNDROME 2. Identifiers: Orphanet 2616, MedGen C2752041, MONDO:0013039, OMIM 612921.

gnomAD v4.1: 49 of 1,609,238 alleles (0.003%); highest among the groups gnomAD compares: East Asian, 0.058%; no homozygotes.

Submission:

Juno Genomics, Hangzhou Juno Genomics, Inc
Classification: Uncertain significance for 3M syndrome 2. Review status: criteria provided, single submitter. Criteria: ACMG Guidelines, 2015. Collection method: clinical testing. Allele origin: germline.
Comment: Absent from controls (or at extremely low frequency if recessive) in Genome Aggregation Database.

NM_015311.3(OBSL1):c.1058G>A (p.Arg353His)

Gene: OBSL1 (obscurin like cytoskeletal adaptor 1; minus strand). Cytogenetic location: 2q35.
Variant type: single nucleotide variant.
Coding change: c.1058G>A on transcript NM_015311.3 (MANE Select); coding-DNA position 1058, G replaced by A.
Protein change: p.Arg353His; replaces arginine 353 with histidine.
Molecular consequence: missense variant.
Genome position (GRCh38, 1-based): chr2:219,568,279, C>T on the plus strand (G>A on the coding strand, the complement: OBSL1 is on the minus strand). VCF-style: chr2-219568279-C-T. GRCh37 (hg19) VCF-style: chr2-220433001-C-T.
Other names: c.1058G>A, p.Arg353His (NM_001173408.2, NM_001173431.2); short protein forms R353H.
Identifiers: ClinVar variation 5006234 (VCV005006234.2).
Genomic context (GRCh38, chr2:219,568,279, plus strand): 5'-CAGGCCGTGGGGATGCGGGAGTTGGGTACTTTACATTCCAGCACGGCAATCCCGTGCTCA[C>T]GGCCCTCCACGTCCTGCAGGGGCCGTGTGAACCGGAGGCGGGGCTCTGTGGAGAGGGGAG-3'
Protein context (NP_056126.1, residues 343-363): FTRPLQDVEG[Arg353His]EHGIAVLECK